The following is an entry in ClinVar:

NC_000023.10:g.(?_100604873)_(100604964_?)del

Gene: BTK (Bruton tyrosine kinase; minus strand). Cytogenetic location: Xq22.1.
Variant type: Deletion.
Identifiers: ClinVar variation 3243965 (VCV003243965.1).

ClinVar aggregate classification (germline): Pathogenic (1 of 4 stars; one submission).

Conditions:
X-linked agammaglobulinemia with growth hormone deficiency (IGHD3). Also called: AGAMMAGLOBULINEMIA AND ISOLATED GROWTH HORMONE DEFICIENCY, X-LINKED; FLEISHER SYNDROME; HYPOGAMMAGLOBULINEMIA AND ISOLATED GROWTH HORMONE DEFICIENCY, X-LINKED; IGHD III; Isolated growth hormone deficiency type 3; Growth hormone deficiency with hypogammaglobulinemia. Identifiers: Orphanet 231692, Orphanet 631, MedGen C0472813, MONDO:0010615, OMIM 307200.

Submission:

Labcorp Genetics (formerly Invitae), Labcorp
Classification: Pathogenic for X-linked agammaglobulinemia with growth hormone deficiency. Last evaluated: 2022-09-27. Review status: criteria provided, single submitter. Criteria: Invitae Variant Classification Sherloc (09022015). Collection method: clinical testing. Allele origin: unknown.
Comment: For these reasons, this variant has been classified as Pathogenic. Experimental studies and prediction algorithms are not available or were not evaluated, and the functional significance of this variant is currently unknown. A similar copy number variant has been observed in individuals with agammaglobulinemia (PMID: 7711734, 9445504, 9545398; Invitae). This variant is a gross deletion of the genomic region encompassing exon(s) 19 of the BTK gene, which includes the termination codon. This deletion extends beyond the assayed region for this gene and therefore may encompass additional genes. While this deletion is not anticipated to lead to nonsense mediated decay, it is expected to alter mRNA translation or result in a truncated protein product.

Literature cited by the submitters: PubMed 7711734; PubMed 9445504; PubMed 9545398.